The following is an entry in ClinVar:

ClinVar aggregate classification (germline): Uncertain significance (1 of 4 stars; one submission).

Conditions:
Symmetrical dyschromatosis of extremities (DSH). Also called: DYSCHROMATOSIS SYMMETRICA HEREDITARIA 1; RETICULATE ACROPIGMENTATION OF DOHI; SYMMETRIC DYSCHROMATOSIS OF THE EXTREMITIES; Dyschromatosis symmetrica hereditaria. Identifiers: Orphanet 41, MedGen C0406775, MONDO:0007483, OMIM 127400.
Aicardi-Goutieres syndrome 6 (AGS6). Identifiers: Orphanet 51, MedGen C3539013, MONDO:0014007, OMIM 615010.

Submission:

Labcorp Genetics (formerly Invitae), Labcorp
Classification: Uncertain significance for Aicardi-Goutieres syndrome 6; Symmetrical dyschromatosis of extremities. Last evaluated: 2024-12-24. Review status: criteria provided, single submitter. Criteria: Invitae Variant Classification Sherloc (09022015). Collection method: clinical testing. Allele origin: germline.
Comment: This sequence change replaces threonine, which is neutral and polar, with proline, which is neutral and non-polar, at codon 954 of the ADAR protein (p.Thr954Pro). This variant is not present in population databases (gnomAD no frequency). This variant has not been reported in the literature in individuals affected with ADAR-related conditions. Invitae Evidence Modeling of protein sequence and biophysical properties (such as structural, functional, and spatial information, amino acid conservation, physicochemical variation, residue mobility, and thermodynamic stability) indicates that this missense variant is not expected to disrupt ADAR protein function with a negative predictive value of 80%. In summary, the available evidence is currently insufficient to determine the role of this variant in disease. Therefore, it has been classified as a Variant of Uncertain Significance.

NM_001111.5(ADAR):c.2860A>C (p.Thr954Pro)

Gene: ADAR (adenosine deaminase RNA specific; minus strand). Cytogenetic location: 1q21.3.
Variant type: single nucleotide variant.
Coding change: c.2860A>C on transcript NM_001111.5 (MANE Select); coding-DNA position 2860, A replaced by C.
Protein change: p.Thr954Pro; replaces threonine 954 with proline.
Molecular consequence: missense variant.
Genome position (GRCh38, 1-based): chr1:154,588,576, T>G on the plus strand (A>C on the coding strand, the complement: ADAR is on the minus strand). VCF-style: chr1-154588576-T-G. GRCh37 (hg19) VCF-style: chr1-154561052-T-G.
Other names: c.1975A>C, p.Thr659Pro (NM_001025107.3, NM_001193495.2, NM_001365046.1 and 2 more transcripts); c.2887A>C, p.Thr963Pro (NM_001365045.1); c.1897A>C, p.Thr633Pro (NM_001365049.1); c.2782A>C, p.Thr928Pro (NM_015840.4); c.2725A>C, p.Thr909Pro (NM_015841.4); short protein forms T633P, T659P, T909P, T928P, T954P, T963P.
Identifiers: ClinVar variation 3758074 (VCV003758074.2).